The following is an entry in ClinVar:

NM_015662.3(IFT172):c.470C>T (p.Ser157Phe)

Gene: IFT172 (intraflagellar transport 172; minus strand). Cytogenetic location: 2p23.3.
Variant type: single nucleotide variant.
Coding change: c.470C>T on transcript NM_015662.3 (MANE Select); coding-DNA position 470, C replaced by T.
Protein change: p.Ser157Phe; replaces serine 157 with phenylalanine.
Molecular consequence: missense variant.
Genome position (GRCh38, 1-based): chr2:27,483,592, G>A on the plus strand (C>T on the coding strand, the complement: IFT172 is on the minus strand). VCF-style: chr2-27483592-G-A. GRCh37 (hg19) VCF-style: chr2-27706459-G-A.
Other names: c.470C>T (NM_015662.2); c.470C>T, p.Ser157Phe (NM_001410739.1); short protein forms S157F.
Identifiers: ClinVar variation 3249889 (VCV003249889.3).

ClinVar aggregate classification (germline): Uncertain significance. Review status: criteria provided, single submitter (1 of 4 stars). 3 submissions from 3 submitters: Uncertain significance (1). 2 of the submissions do not count toward it. Last evaluated 2024-05-22.

Conditions:
Bardet-Biedl syndrome 20. Identifiers: MedGen C4310707, MONDO:0023670, OMIM 619471, MONDO:0014926.
Short-rib thoracic dysplasia 10 with or without polydactyly (SRTD10). Identifiers: Orphanet 474, MedGen C3810175, MONDO:0014284, OMIM 615630.
Retinitis pigmentosa 71 (RP71). Identifiers: Orphanet 791, MedGen C4225342, MONDO:0014618, OMIM 616394.
IFT172-related disorder. Also called: IFT172-related disorders; IFT172-related condition.
Retinal dystrophy. Also called: Inherited retinal dystrophy. Identifiers: Orphanet 71862, MedGen C0854723, MeSH D058499, MONDO:0019118, HP:0000556.

gnomAD v4.1: 4 of 1,613,996 alleles (0.00025%); highest among the groups gnomAD compares: Non-Finnish European, 0.00034%; no homozygotes.

Submissions (3):

Fulgent Genetics
Classification: Uncertain significance for Short-rib thoracic dysplasia 10 with or without polydactyly; Retinitis pigmentosa 71; Bardet-Biedl syndrome 20. Last evaluated: 2024-05-22. Review status: criteria provided, single submitter. Criteria: ACMG Guidelines, 2015. Collection method: clinical testing. Allele origin: germline.

PreventionGenetics, part of Exact Sciences
Classification: Uncertain significance for IFT172-related condition. Last evaluated: 2024-08-07. Review status: no assertion criteria provided. Collection method: clinical testing. Allele origin: germline. Not counted in ClinVar's aggregate classification.
Comment: The IFT172 c.470C>T variant is predicted to result in the amino acid substitution p.Ser157Phe. To our knowledge, this variant has not been reported in the literature. This variant is reported in 0.00088% of alleles in individuals of European (Non-Finnish) descent in gnomAD. At this time, the clinical significance of this variant is uncertain due to the absence of conclusive functional and genetic evidence.

Institute of Human Genetics, Univ. Regensburg, Univ. Regensburg
Classification: Uncertain significance for Retinal dystrophy. Last evaluated: 2016-01-01. Review status: no assertion criteria provided. Criteria: ACMG Guidelines, 2015. Collection method: clinical testing. Allele origin: germline. Affected: yes. Not counted in ClinVar's aggregate classification.